The following is an entry in ClinVar:

ClinVar aggregate classification (germline): Pathogenic (1 of 4 stars; one submission).

Conditions:
Gorlin syndrome. Also called: Nevoid Basal Cell Carcinoma Syndrome; Basal cell nevus syndrome. Identifiers: Orphanet 377, MedGen C0004779, MONDO:0007187.

Submission:

Labcorp Genetics (formerly Invitae), Labcorp
Classification: Pathogenic for Gorlin syndrome. Last evaluated: 2019-12-19. Review status: criteria provided, single submitter. Criteria: Invitae Variant Classification Sherloc (09022015). Collection method: clinical testing. Allele origin: germline.
Comment: For these reasons, this variant has been classified as Pathogenic. Loss-of-function variants in PTCH1 are known to be pathogenic (PMID: 16301862, 16419085). This variant has not been reported in the literature in individuals with PTCH1-related conditions. This variant is not present in population databases (ExAC no frequency). This sequence change creates a premature translational stop signal (p.Ile228Leufs*21) in the PTCH1 gene. It is expected to result in an absent or disrupted protein product.

Literature cited by the submitters: PubMed 16301862; PubMed 16419085.

NM_000264.5(PTCH1):c.681_684del (p.Ile228fs)

Gene: PTCH1 (patched 1; minus strand). Cytogenetic location: 9q22.32.
Variant type: Deletion.
Coding change: c.681_684del on transcript NM_000264.5 (MANE Select); coding-DNA positions 681 to 684, 4 bases deleted (GATT; older notation c.681_684delGATT).
Protein change: p.Ile228fs; shifts the reading frame from isoleucine 228.
Molecular consequence: frameshift variant. On other transcripts: non-coding transcript variant (1).
Genome position (GRCh38, 1-based): chr9:95,482,011-95,482,014, AATC deleted on the plus strand (GATT on the coding strand, the reverse complement: PTCH1 is on the minus strand); deleting any 4 consecutive bases within chr9:95,482,011-95,482,016 gives the same sequence; the c. name uses the placement nearest the transcript's 3' end. VCF-style (leftmost placement, unchanged base first): chr9-95482010-TAATC-T. GRCh37 (hg19) VCF-style: chr9-98244292-TAATC-T.
Other names: c.483_486del, p.Ile162fs (NM_001083602.3, NM_001354919.2); c.678_681del, p.Ile227fs (NM_001083603.3); c.228_231del, p.Ile77fs (NM_001083604.3, NM_001083605.3, NM_001083606.3 and 1 more transcripts); c.681_684del, p.Ile228fs (NM_001354918.2); short protein forms I228fs, I77fs, I162fs, I227fs.
Identifiers: ClinVar variation 846378 (VCV000846378.11), dbSNP rs1841576526, ClinGen allele CA916081536.